The following is an entry in ClinVar:

ClinVar aggregate classification (germline): Uncertain significance (1 of 4 stars; one submission).

gnomAD v4.1: 1 of 1,613,036 alleles (0.000062%); highest among the groups gnomAD compares: Non-Finnish European, 0.000085%; no homozygotes.

Submission:

Women's Health and Genetics/Laboratory Corporation of America, LabCorp
Classification: Uncertain significance. Last evaluated: 2025-01-13. Review status: criteria provided, single submitter. Criteria: LabCorp Variant Classification Summary - May 2015. Collection method: clinical testing. Allele origin: germline.
Comment: Variant summary: TTN c.14399A>C (p.Lys4800Thr) results in a non-conservative amino acid change in the encoded protein sequence. Two of three in-silico tools predict a damaging effect of the variant on protein function. The variant was absent in 247084 control chromosomes. The available data on variant occurrences in the general population are insufficient to allow any conclusion about variant significance. To our knowledge, no occurrence of c.14399A>C in individuals affected with Autosomal Recessive Titinopathy and no experimental evidence demonstrating its impact on protein function have been reported. No submitters have cited clinical-significance assessments for this variant to ClinVar. Based on the evidence outlined above, the variant was classified as uncertain significance.

NM_001267550.2(TTN):c.18131A>C (p.Lys6044Thr)

Gene: TTN (titin; minus strand). Cytogenetic location: 2q31.2.
Variant type: single nucleotide variant.
Coding change: c.18131A>C on transcript NM_001267550.2 (MANE Select); coding-DNA position 18131, A replaced by C.
Protein change: p.Lys6044Thr; replaces lysine 6044 with threonine.
Molecular consequence: missense variant. On other transcripts: intron variant (3).
Genome position (GRCh38, 1-based): chr2:178,730,269, T>G on the plus strand (A>C on the coding strand, the complement: TTN is on the minus strand). VCF-style: chr2-178730269-T-G. GRCh37 (hg19) VCF-style: chr2-179594996-T-G.
Other names: c.17180A>C, p.Lys5727Thr (NM_001256850.1); c.14399A>C, p.Lys4800Thr (NM_133378.4); c.13282+7813A>C (NM_003319.4); c.13858+7813A>C (NM_133437.4); c.13657+7813A>C (NM_133432.3); short protein forms K4800T, K5727T, K6044T.
Identifiers: ClinVar variation 3769132 (VCV003769132.2).